The following is an entry in ClinVar:

NM_001034853.2(RPGR):c.2660G>A (p.Gly887Glu)

Gene: RPGR (retinitis pigmentosa GTPase regulator; minus strand). Cytogenetic location: Xp11.4.
Variant type: single nucleotide variant.
Coding change: c.2660G>A on transcript NM_001034853.2 (MANE Select); coding-DNA position 2660, G replaced by A.
Protein change: p.Gly887Glu; replaces glycine 887 with glutamic acid.
Molecular consequence: missense variant. On other transcripts: intron variant (8).
Genome position (GRCh38, 1-based): chrX:38,286,339, C>T on the plus strand (G>A on the coding strand, the complement: RPGR is on the minus strand). VCF-style: chrX-38286339-C-T. GRCh37 (hg19) VCF-style: chrX-38145592-C-T.
Other names: c.1569+4620G>A (NM_001367249.1, NM_001367250.1); c.1902+755G>A (NM_001367245.1); c.1386+4620G>A (NM_001367251.1); c.1719+755G>A (NM_001367246.1); c.1572+4620G>A (NM_001367247.1); c.1905+755G>A (NM_000328.3); c.1602+4620G>A (NM_001367248.1); short protein forms G887E.
Identifiers: ClinVar variation 2153753 (VCV002153753.4), dbSNP rs2519788457, ClinGen allele CA412730098.

ClinVar aggregate classification (germline): Uncertain significance (1 of 4 stars; one submission).

Conditions:
Primary ciliary dyskinesia. Also called: Ciliary dyskinesia. Identifiers: Orphanet 244, MedGen C0008780, MONDO:0016575, HP:0012265.

Submission:

Labcorp Genetics (formerly Invitae), Labcorp
Classification: Uncertain significance for Primary ciliary dyskinesia. Last evaluated: 2022-08-09. Review status: criteria provided, single submitter. Criteria: Invitae Variant Classification Sherloc (09022015). Collection method: clinical testing. Allele origin: germline.
Comment: This sequence change replaces glycine, which is neutral and non-polar, with glutamic acid, which is acidic and polar, at codon 887 of the RPGR (ORF15) protein (p.Gly887Glu). This variant is not present in population databases (gnomAD no frequency). This missense change has been observed in individual(s) with retinitis pigmentosa (Invitae). Algorithms developed to predict the effect of missense changes on protein structure and function output the following: SIFT: "Not Available"; PolyPhen-2: "Not Available"; Align-GVGD: "Not Available". The glutamic acid amino acid residue is found in multiple mammalian species, which suggests that this missense change does not adversely affect protein function. In summary, the available evidence is currently insufficient to determine the role of this variant in disease. Therefore, it has been classified as a Variant of Uncertain Significance.